The following is an entry in ClinVar:

ClinVar aggregate classification (germline): Likely pathogenic (1 of 4 stars; one submission).

Conditions:
Dilated cardiomyopathy 1G (CMD1G). Identifiers: Orphanet 154, MedGen C1858763, MONDO:0011400, OMIM 604145.
Autosomal recessive limb-girdle muscular dystrophy type 2J (LGMDR10). Also called: Limb-girdle muscular dystrophy, type 2J; MUSCULAR DYSTROPHY, LIMB-GIRDLE, AUTOSOMAL RECESSIVE 10. Identifiers: Orphanet 140922, MedGen C1837342, MONDO:0012127, OMIM 608807.

Submission:

Labcorp Genetics (formerly Invitae), Labcorp
Classification: Likely pathogenic for Dilated cardiomyopathy 1G; Autosomal recessive limb-girdle muscular dystrophy type 2J. Last evaluated: 2022-11-14. Review status: criteria provided, single submitter. Criteria: Invitae Variant Classification Sherloc (09022015). Collection method: clinical testing. Allele origin: germline.
Comment: This variant is not present in population databases (gnomAD no frequency). In summary, the currently available evidence indicates that the variant is pathogenic, but additional data are needed to prove that conclusively. Therefore, this variant has been classified as Likely Pathogenic. This variant is located in the A band of TTN (PMID: 25589632). Truncating variants in this region are significantly overrepresented in patients affected with dilated cardiomyopathy (PMID: 25589632). Truncating variants in this region have also been reported in individuals affected with autosomal recessive centronuclear myopathy (PMID: 23975875). ClinVar contains an entry for this variant (Variation ID: 1484500). This variant has not been reported in the literature in individuals affected with TTN-related conditions. This sequence change creates a premature translational stop signal (p.Pro19968Glnfs*20) in the TTN gene. While this is not anticipated to result in nonsense mediated decay, it is expected to create a truncated TTN protein.

Literature cited by the submitters: PubMed 25589632; PubMed 23975875.

NM_001267550.2(TTN):c.59903del (p.Pro19968fs)

Genes: TTN (titin; minus strand), TTN-AS1 (TTN antisense RNA 1; plus strand), LOC126806424 (CDK7 strongly-dependent group 2 enhancer GRCh37_chr2:179456337-179457536; plus strand). Cytogenetic location: 2q31.2.
Variant type: Deletion.
Coding change: c.59903del on transcript NM_001267550.2 (MANE Select); coding-DNA position 59903, one base deleted (C; older notation c.59903delC).
Protein change: p.Pro19968fs; shifts the reading frame from proline 19968.
Molecular consequence: frameshift variant.
Genome position (GRCh38, 1-based): chr2:178,592,001, G deleted on the plus strand (C on the coding strand, the reverse complement: TTN is on the minus strand); the first of 2 consecutive G bases (chr2:178,592,001-178,592,002); deleting either gives the same sequence. VCF-style (leftmost placement, unchanged base first): chr2-178592000-TG-T. GRCh37 (hg19) VCF-style: chr2-179456727-TG-T.
Other names: c.54980del, p.Pro18327fs (NM_001256850.1); c.32708del, p.Pro10903fs (NM_003319.4); c.52199del, p.Pro17400fs (NM_133378.4); c.33083del, p.Pro11028fs (NM_133432.3); c.33284del, p.Pro11095fs (NM_133437.4); short protein forms P11095fs, P19968fs, P11028fs, P17400fs, P10903fs, P18327fs.
Identifiers: ClinVar variation 1484500 (VCV001484500.8), dbSNP rs2154185335, ClinGen allele CA2573133753.
Genomic context (GRCh38, chr2:178,592,000, plus strand): 5'-GTCAAACAATAGTTTTGTATTCAGAGAAAGCAACTTACGGAGAGGATCCAAAGCCTTGAT[TG>T]GTTTTGGTGTTTCAACAAAAGGACCACGTCCATACTGGTTCTCCGCAGCTACTCGGAAGA-3'